The following is an entry in ClinVar:

NM_032578.4(MYPN):c.3438C>T (p.Cys1146=)

Gene: MYPN (myopalladin; plus strand). Cytogenetic location: 10q21.3.
Variant type: single nucleotide variant.
Coding change: c.3438C>T on transcript NM_032578.4 (MANE Select); coding-DNA position 3438, C replaced by T.
Protein change: p.Cys1146=; no amino-acid change (cysteine 1146 retained).
Molecular consequence: synonymous variant. On other transcripts: non-coding transcript variant (2).
Genome position (GRCh38, 1-based): chr10:68,199,520, C>T. VCF-style: chr10-68199520-C-T. GRCh37 (hg19) VCF-style: chr10-69959277-C-T.
Other names: c.3438C>T, p.Cys1146= (NM_001256267.2); c.2556C>T, p.Cys852= (NM_001256268.2).
Identifiers: ClinVar variation 1132413 (VCV001132413.17), dbSNP rs369746212, ClinGen allele CA5523041.
Genomic context (GRCh38, chr10:68,199,520, plus strand): 5'-CGGAGTCCACTCTCTGCTCATTGACCCACTCACTCAGCGCGACGCAGGGACCTATAAGTG[C>T]ATCGCTACCAACAAAACCGGGCAGAATTCTTTTAGTCTGGAGCTCTCTGTAGTAGGTAAG-3'
Protein context (NP_115967.2, residues 1136-1156): LTQRDAGTYK[Cys1146=]IATNKTGQNS

ClinVar aggregate classification (germline): Likely benign. Review status: criteria provided, multiple submitters, no conflicts (2 of 4 stars). 3 submissions from 3 submitters: Likely benign (3). Last evaluated 2025-11-01.

Conditions:
Cardiovascular phenotype. Identifiers: MedGen CN230736.
Dilated cardiomyopathy 1KK (CMD1KK). Identifiers: Orphanet 154, Orphanet 75249, MedGen C3714995, MONDO:0014100, OMIM 615248.

Allele frequency attached by ClinVar (database versions not stated): gnomAD 0.00004 and 0.00003; ESP Exome Variant Server 0.00008; TOPMed 0.00008; ExAC 0.00001; gnomAD exomes 0.00001.
gnomAD v4.1: 16 of 1,614,058 alleles (0.00099%); highest among the groups gnomAD compares: African/African-American, 0.016%; no homozygotes.

Submissions (3):

CeGaT Center for Human Genetics Tuebingen
Classification: Likely benign. Last evaluated: 2025-11-01. Review status: criteria provided, single submitter. Criteria: CeGaT Center For Human Genetics Tuebingen Variant Classification Criteria Version 2. Collection method: clinical testing. Allele origin: germline. Affected: yes. Observed: 1 variant allele.
Comment: MYPN: BP4, BP7

Labcorp Genetics (formerly Invitae), Labcorp
Classification: Likely benign for Dilated cardiomyopathy 1KK. Last evaluated: 2025-05-23. Review status: criteria provided, single submitter. Criteria: Invitae Variant Classification Sherloc (09022015). Collection method: clinical testing. Allele origin: germline.

Ambry Genetics
Classification: Likely benign for Cardiovascular phenotype. Last evaluated: 2019-10-21. Review status: criteria provided, single submitter. Criteria: Ambry Variant Classification Scheme 2023. Collection method: clinical testing. Allele origin: germline.